The following is an entry in ClinVar:

NM_000368.5(TSC1):c.1172C>A (p.Pro391Gln)

Gene: TSC1 (TSC complex subunit 1; minus strand). Cytogenetic location: 9q34.13.
Variant type: single nucleotide variant.
Coding change: c.1172C>A on transcript NM_000368.5 (MANE Select); coding-DNA position 1172, C replaced by A.
Protein change: p.Pro391Gln; replaces proline 391 with glutamine.
Molecular consequence: missense variant. On other transcripts: non-coding transcript variant (5).
Genome position (GRCh38, 1-based): chr9:132,910,662, G>T on the plus strand (C>A on the coding strand, the complement: TSC1 is on the minus strand). VCF-style: chr9-132910662-G-T. GRCh37 (hg19) VCF-style: chr9-135786049-G-T.
Other names: c.1169C>A, p.Pro390Gln (NM_001162426.2, NM_001406597.1, NM_001406598.1 and 6 more transcripts); c.1019C>A, p.Pro340Gln (NM_001162427.2, NM_001406610.1); c.809C>A, p.Pro270Gln (NM_001362177.2, NM_001406614.1, NM_001406615.1 and 5 more transcripts); c.1172C>A, p.Pro391Gln (NM_001406592.1, NM_001406593.1, NM_001406594.1 and 7 more transcripts); c.1016C>A, p.Pro339Gln (NM_001406611.1, NM_001406612.1, NM_001406613.1); c.806C>A, p.Pro269Gln (NM_001406620.1, NM_001406621.1, NM_001406622.1 and 2 more transcripts); c.221C>A, p.Pro74Gln (NM_001406626.1); c.218C>A, p.Pro73Gln (NM_001406627.1, NM_001406628.1); and 1 more; short protein forms P269Q, P40Q, P73Q, P391Q, P339Q, P270Q, P340Q, P390Q.
Identifiers: ClinVar variation 4554115 (VCV004554115.1).

ClinVar aggregate classification (germline): Uncertain significance (1 of 4 stars; one submission).

Conditions:
Hereditary cancer-predisposing syndrome. Also called: Tumor predisposition; Hereditary Cancer Syndrome; Hereditary neoplastic syndrome; Neoplastic Syndromes, Hereditary. Identifiers: Orphanet 140162, MedGen C0027672, MeSH D009386, MONDO:0015356.

Submission:

Ambry Genetics
Classification: Uncertain significance for Hereditary cancer-predisposing syndrome. Last evaluated: 2025-10-02. Review status: criteria provided, single submitter. Criteria: Ambry Variant Classification Scheme 2023. Collection method: clinical testing. Allele origin: germline.
Comment: The p.P391Q variant (also known as c.1172C>A), located in coding exon 10 of the TSC1 gene, results from a C to A substitution at nucleotide position 1172. The proline at codon 391 is replaced by glutamine, an amino acid with similar properties. This amino acid position is conserved. In addition, the in silico prediction for this alteration is inconclusive. Based on the available evidence, the clinical significance of this variant remains unclear.